The following is an entry in ClinVar:

NM_001329943.3(KIAA0586):c.3804C>G (p.Tyr1268Ter)

Gene: KIAA0586 (KIAA0586; plus strand). Cytogenetic location: 14q23.1.
Variant type: single nucleotide variant.
Coding change: c.3804C>G on transcript NM_001329943.3 (MANE Select); coding-DNA position 3804, C replaced by G.
Protein change: p.Tyr1268Ter; replaces tyrosine 1268 with a stop codon.
Molecular consequence: nonsense.
Genome position (GRCh38, 1-based): chr14:58,490,186, C>G. VCF-style: chr14-58490186-C-G. GRCh37 (hg19) VCF-style: chr14-58956904-C-G.
Other names: c.3804C>G, p.Tyr1268Ter (NM_001329944.2, NM_001329946.2, NM_001329947.2); c.3549C>G, p.Tyr1183Ter (NM_001329945.2, NM_001364700.1, NM_001364701.2 and 1 more transcripts); c.3576C>G, p.Tyr1192Ter (NM_014749.5); c.3963C>G, p.Tyr1321Ter (NM_001244189.2); c.3759C>G, p.Tyr1253Ter (NM_001244190.2); c.3672C>G, p.Tyr1224Ter (NM_001244192.2); c.3384C>G, p.Tyr1128Ter (NM_001244193.2); short protein forms Y1183*, Y1224*, Y1253*, Y1321*, Y1128*, Y1192*, Y1268*.
Identifiers: ClinVar variation 2008048 (VCV002008048.4), dbSNP rs2543724955, ClinGen allele CA389883379.
Genomic context (GRCh38, chr14:58,490,186, plus strand): 5'-TCTTTTTTTTTTCTAAACTTTTATATTTTAATTTCTAGTTTTAGAAGATATAGGACTGTA[C>G]CTGACAAACCTTAATGATAGCTTATCCAGCACTCTGCATGATGCCGTTGAAATGGTAAGT-3'

ClinVar aggregate classification (germline): Pathogenic (1 of 4 stars; one submission).

Conditions:
Short-rib thoracic dysplasia 14 with polydactyly (SRTD14). Identifiers: Orphanet 397715, MedGen C4225286, MONDO:0014688, OMIM 616546.
Joubert syndrome 23 (JBTS23). Identifiers: Orphanet 475, MedGen C4084822, MONDO:0014664, OMIM 616490.

Submission:

Labcorp Genetics (formerly Invitae), Labcorp
Classification: Pathogenic for Joubert syndrome 23; Short-rib thoracic dysplasia 14 with polydactyly. Last evaluated: 2022-06-25. Review status: criteria provided, single submitter. Criteria: Invitae Variant Classification Sherloc (09022015). Collection method: clinical testing. Allele origin: germline.
Comment: This sequence change creates a premature translational stop signal (p.Tyr1321*) in the KIAA0586 gene. It is expected to result in an absent or disrupted protein product. Loss-of-function variants in KIAA0586 are known to be pathogenic (PMID: 26096313, 26166481, 26386044). This variant is not present in population databases (gnomAD no frequency). This variant has not been reported in the literature in individuals affected with KIAA0586-related conditions. For these reasons, this variant has been classified as Pathogenic.

Literature cited by the submitters: PubMed 26096313; PubMed 26166481; PubMed 26386044.